The following is an entry in ClinVar:

NM_182961.4(SYNE1):c.8789G>A (p.Trp2930Ter)

Genes: SYNE1 (spectrin repeat containing nuclear envelope protein 1; minus strand), SYNE1-AS1 (SYNE1 antisense RNA 1; plus strand). Cytogenetic location: 6q25.2.
Variant type: single nucleotide variant.
Coding change: c.8789G>A on transcript NM_182961.4 (MANE Select); coding-DNA position 8789, G replaced by A.
Protein change: p.Trp2930Ter; replaces tryptophan 2930 with a stop codon.
Molecular consequence: nonsense. On other transcripts: non-coding transcript variant (1).
Genome position (GRCh38, 1-based): chr6:152,381,226, C>T on the plus strand (G>A on the coding strand, the complement: SYNE1 is on the minus strand). VCF-style: chr6-152381226-C-T. GRCh37 (hg19) VCF-style: chr6-152702361-C-T.
Other names: c.8810G>A, p.Trp2937Ter (NM_033071.5); short protein forms W2930*, W2937*.
Identifiers: ClinVar variation 1383492 (VCV001383492.6), dbSNP rs2154115529, ClinGen allele CA366144438.

ClinVar aggregate classification (germline): Pathogenic (1 of 4 stars; one submission).

Conditions:
Emery-Dreifuss muscular dystrophy 4, autosomal dominant (EDMD4). Also called: EMERY-DREIFUSS MUSCULAR DYSTROPHY 4 WITH VARIABLE FEATURES. Identifiers: Orphanet 261, MedGen C2751807, MONDO:0013071, OMIM 612998.
Autosomal recessive ataxia, Beauce type. Also called: SYNE1-Related Autosomal Recessive Cerebellar Ataxia; Spinocerebellar ataxia, autosomal recessive 8; ATAXIA, RECESSIVE, OF BEAUCE; SYNE1 Deficiency. Identifiers: Orphanet 88644, MedGen C1853116, MONDO:0012549, OMIM 610743.

Submission:

Labcorp Genetics (formerly Invitae), Labcorp
Classification: Pathogenic for Emery-Dreifuss muscular dystrophy 4, autosomal dominant; Autosomal recessive ataxia, Beauce type. Last evaluated: 2022-08-16. Review status: criteria provided, single submitter. Criteria: Invitae Variant Classification Sherloc (09022015). Collection method: clinical testing. Allele origin: germline.
Comment: This sequence change creates a premature translational stop signal (p.Trp2937*) in the SYNE1 gene. It is expected to result in an absent or disrupted protein product. Loss-of-function variants in SYNE1 are known to be pathogenic (PMID: 19542096, 24319099, 27086870). This variant is not present in population databases (gnomAD no frequency). This variant has not been reported in the literature in individuals affected with SYNE1-related conditions. ClinVar contains an entry for this variant (Variation ID: 1383492). Algorithms developed to predict the effect of sequence changes on RNA splicing suggest that this variant may create or strengthen a splice site. For these reasons, this variant has been classified as Pathogenic.

Literature cited by the submitters: PubMed 19542096; PubMed 24319099; PubMed 27086870.